The following is an entry in ClinVar:

ClinVar aggregate classification (germline): Uncertain significance (1 of 4 stars; one submission).

Conditions:
Huntington disease-like 1 (HDL1). Also called: PRION DISEASE, EARLY-ONSET, WITH PROMINENT PSYCHIATRIC FEATURES; HUNTINGTON-LIKE NEURODEGENERATIVE DISORDER 1; HUNTINGTON-LIKE NEURODEGENERATIVE DISORDER, AUTOSOMAL DOMINANT. Identifiers: Orphanet 157941, MedGen C1864112, MONDO:0011299, OMIM 603218.

Allele frequency attached by ClinVar (database versions not stated): gnomAD exomes below 0.00001; ExAC 0.00001.
gnomAD v4.1: 3 of 1,613,544 alleles (0.00019%); highest among the groups gnomAD compares: Non-Finnish European, 0.00025%; no homozygotes.

Submission:

Labcorp Genetics (formerly Invitae), Labcorp
Classification: Uncertain significance for Huntington disease-like 1. Last evaluated: 2022-12-14. Review status: criteria provided, single submitter. Criteria: Invitae Variant Classification Sherloc (09022015). Collection method: clinical testing. Allele origin: germline.
Comment: This variant is present in population databases (rs748929962, gnomAD 0.0009%). This sequence change replaces tyrosine, which is neutral and polar, with cysteine, which is neutral and slightly polar, at codon 225 of the PRNP protein (p.Tyr225Cys). This missense change has been observed in individual(s) with atypical Creutzfeldt-Jakob disease (PMID: 31447551). In summary, the available evidence is currently insufficient to determine the role of this variant in disease. Therefore, it has been classified as a Variant of Uncertain Significance. Advanced modeling of protein sequence and biophysical properties (such as structural, functional, and spatial information, amino acid conservation, physicochemical variation, residue mobility, and thermodynamic stability) performed at Invitae indicates that this missense variant is not expected to disrupt PRNP protein function.

Literature cited by the submitters: PubMed 31447551.

NM_000311.5(PRNP):c.674A>G (p.Tyr225Cys)

Gene: PRNP (prion protein (Kanno blood group); plus strand). Cytogenetic location: 20p13.
Variant type: single nucleotide variant.
Coding change: c.674A>G on transcript NM_000311.5 (MANE Select); coding-DNA position 674, A replaced by G.
Protein change: p.Tyr225Cys; replaces tyrosine 225 with cysteine.
Molecular consequence: missense variant. On other transcripts: 3 prime UTR variant (1).
Genome position (GRCh38, 1-based): chr20:4,699,894, A>G. VCF-style: chr20-4699894-A-G. GRCh37 (hg19) VCF-style: chr20-4680540-A-G.
Other names: c.674A>G, p.Tyr225Cys (NM_001080121.3, NM_001080122.3, NM_001080123.3 and 1 more transcripts); c.*363A>G (NM_001271561.3); short protein forms Y225C.
Identifiers: ClinVar variation 2885908 (VCV002885908.3), dbSNP rs748929962, ClinGen allele CA9752118.